The following is an entry in ClinVar:

NM_016156.6(MTMR2):c.826G>T (p.Glu276Ter)

Gene: MTMR2 (myotubularin related protein 2; minus strand). Cytogenetic location: 11q21.
Variant type: single nucleotide variant.
Coding change: c.826G>T on transcript NM_016156.6 (MANE Select); coding-DNA position 826, G replaced by T.
Protein change: p.Glu276Ter; replaces glutamic acid 276 with a stop codon.
Molecular consequence: nonsense.
Genome position (GRCh38, 1-based): chr11:95,849,841, C>A on the plus strand (G>T on the coding strand, the complement: MTMR2 is on the minus strand). VCF-style: chr11-95849841-C-A. GRCh37 (hg19) VCF-style: chr11-95583005-C-A.
Other names: c.610G>T, p.Glu204Ter (NM_001243571.2, NM_201278.3, NM_201281.3); short protein forms E276*, E204*.
Identifiers: ClinVar variation 6233 (VCV000006233.5), dbSNP rs121434403, ClinGen allele CA340529.

ClinVar aggregate classification (germline): Pathogenic. Review status: criteria provided, single submitter (1 of 4 stars). 3 submissions from 3 submitters: Pathogenic (1). 2 of the submissions do not count toward it. Last evaluated 2020-06-03.

Conditions:
Charcot-Marie-Tooth disease type 4B1. Also called: CHARCOT-MARIE-TOOTH DISEASE, DEMYELINATING, TYPE 4B1; Charcot-Marie-Tooth Neuropathy Type 4B1; CHARCOT-MARIE-TOOTH DISEASE, AUTOSOMAL RECESSIVE, WITH FOCALLY FOLDED MYELIN SHEATHS, AUTOSOMAL RECESSIVE, TYPE 4B1; CHARCOT-MARIE-TOOTH DISEASE, TYPE 4B. Identifiers: Orphanet 99955, MedGen C1832399, MONDO:0011066, OMIM 601382.

Submissions (3):

Baylor Genetics
Classification: Pathogenic for Charcot-Marie-Tooth disease type 4B1. Last evaluated: 2020-06-03. Review status: criteria provided, single submitter. Criteria: ACMG Guidelines, 2015. Collection method: clinical testing. Allele origin: unknown. Affected: yes.
Comment: This variant was determined to be pathogenic according to ACMG Guidelines, 2015 [PMID:25741868].

OMIM
Classification: Pathogenic for CHARCOT-MARIE-TOOTH DISEASE, HYPOMYELINATING, TYPE 4B1. Last evaluated: 2000-05-01. Review status: no assertion criteria provided. Collection method: literature only. Allele origin: germline. Not counted in ClinVar's aggregate classification.

GeneReviews
No classification provided. Condition: Charcot-Marie-Tooth disease type 4B1. Review status: no classification provided. Collection method: literature only. Allele origin: unknown. Not counted in ClinVar's aggregate classification.

Literature cited by the submitters: PubMed 10802647 (cited by OMIM); PubMed 20301641 (cited by GeneReviews); NCBI Bookshelf NBK1468 (cited by GeneReviews).